The following is an entry in ClinVar:

NM_032607.3(CREB3L3):c.877G>A (p.Glu293Lys)

Gene: CREB3L3 (cAMP responsive element binding protein 3 like 3; plus strand). Cytogenetic location: 19p13.3.
Variant type: single nucleotide variant.
Coding change: c.877G>A on transcript NM_032607.3 (MANE Select); coding-DNA position 877, G replaced by A.
Protein change: p.Glu293Lys; replaces glutamic acid 293 with lysine.
Molecular consequence: missense variant.
Genome position (GRCh38, 1-based): chr19:4,170,195, G>A. VCF-style: chr19-4170195-G-A. GRCh37 (hg19) VCF-style: chr19-4170192-G-A.
Other names: c.874G>A, p.Glu292Lys (NM_001271995.2); c.871G>A, p.Glu291Lys (NM_001271996.2); c.770G>A, p.Arg257Gln (NM_001271997.2); short protein forms E293K, E292K, E291K, R257Q.
Identifiers: ClinVar variation 1911428 (VCV001911428.5), dbSNP rs748509446, ClinGen allele CA9091507.

ClinVar aggregate classification (germline): Uncertain significance (1 of 4 stars; one submission).

Allele frequency attached by ClinVar (database versions not stated): ExAC 0.00001; gnomAD 0.00001; gnomAD exomes 0.00003; TOPMed 0.00003.

Submission:

Labcorp Genetics (formerly Invitae), Labcorp
Classification: Uncertain significance. Last evaluated: 2022-05-04. Review status: criteria provided, single submitter. Criteria: Invitae Variant Classification Sherloc (09022015). Collection method: clinical testing. Allele origin: germline.
Comment: In summary, the available evidence is currently insufficient to determine the role of this variant in disease. Therefore, it has been classified as a Variant of Uncertain Significance. Algorithms developed to predict the effect of missense changes on protein structure and function are either unavailable or do not agree on the potential impact of this missense change (SIFT: "Tolerated"; PolyPhen-2: "Probably Damaging"; Align-GVGD: "Class C0"). This missense change has been observed in individual(s) with clinical features of dyslipidemia (PMID: 32041611). This variant is present in population databases (rs748509446, gnomAD 0.004%). This sequence change replaces glutamic acid, which is acidic and polar, with lysine, which is basic and polar, at codon 293 of the CREB3L3 protein (p.Glu293Lys).

Literature cited by the submitters: PubMed 32041611.